The following is an entry in ClinVar:

NM_001388492.1(HTT):c.5684G>A (p.Arg1895Gln)

Gene: HTT (huntingtin; plus strand). Cytogenetic location: 4p16.3.
Variant type: single nucleotide variant.
Coding change: c.5684G>A on transcript NM_001388492.1 (MANE Select); coding-DNA position 5684, G replaced by A.
Protein change: p.Arg1895Gln; replaces arginine 1895 with glutamine.
Molecular consequence: missense variant.
Genome position (GRCh38, 1-based): chr4:3,204,114, G>A. VCF-style: chr4-3204114-G-A. GRCh37 (hg19) VCF-style: chr4-3205841-G-A.
Other names: c.5690G>A, p.Arg1897Gln (NM_002111.8); short protein forms R1897Q, R1895Q.
Identifiers: ClinVar variation 1406489 (VCV001406489.6), dbSNP rs1719727197, ClinGen allele CA356079349.

ClinVar aggregate classification (germline): Uncertain significance (1 of 4 stars; one submission).

Allele frequency attached by ClinVar (database versions not stated): gnomAD exomes below 0.00001; TOPMed below 0.00001; gnomAD 0.00001.
gnomAD v4.1: 5 of 1,614,080 alleles (0.00031%); highest among the groups gnomAD compares: Admixed American, 0.0017%; no homozygotes.

Submission:

Labcorp Genetics (formerly Invitae), Labcorp
Classification: Uncertain significance. Last evaluated: 2022-08-10. Review status: criteria provided, single submitter. Criteria: Invitae Variant Classification Sherloc (09022015). Collection method: clinical testing. Allele origin: germline.
Comment: This variant has not been reported in the literature in individuals affected with HTT-related conditions. This variant is not present in population databases (gnomAD no frequency). This sequence change replaces arginine, which is basic and polar, with glutamine, which is neutral and polar, at codon 1897 of the HTT protein (p.Arg1897Gln). ClinVar contains an entry for this variant (Variation ID: 1406489). In summary, the available evidence is currently insufficient to determine the role of this variant in disease. Therefore, it has been classified as a Variant of Uncertain Significance. Algorithms developed to predict the effect of sequence changes on RNA splicing suggest that this variant may disrupt the consensus splice site. Experimental studies and prediction algorithms are not available or were not evaluated, and the functional significance of this variant is currently unknown.